The following is an entry in ClinVar:

NM_201253.3(CRB1):c.2570T>G (p.Leu857Arg)

Gene: CRB1 (crumbs cell polarity complex component 1; plus strand). Cytogenetic location: 1q31.3.
Variant type: single nucleotide variant.
Coding change: c.2570T>G on transcript NM_201253.3 (MANE Select); coding-DNA position 2570, T replaced by G.
Protein change: p.Leu857Arg; replaces leucine 857 with arginine.
Molecular consequence: missense variant. On other transcripts: non-coding transcript variant (2), intron variant (1).
Genome position (GRCh38, 1-based): chr1:197,427,895, T>G. VCF-style: chr1-197427895-T-G. GRCh37 (hg19) VCF-style: chr1-197397025-T-G.
Other names: c.2234T>G, p.Leu745Arg (NM_001193640.2); c.2363T>G, p.Leu788Arg (NM_001257965.2); c.2128+5939T>G (NM_001257966.2); short protein forms L857R, L788R, L745R.
Identifiers: ClinVar variation 836977 (VCV000836977.11), dbSNP rs1664678030, ClinGen allele CA344038325.

ClinVar aggregate classification (germline): Conflicting classifications of pathogenicity. Review status: criteria provided, conflicting classifications (1 of 4 stars). 4 submissions from 4 submitters: Pathogenic (1); Uncertain significance (3). Last evaluated 2025-07-25.

Conditions:
Leber congenital amaurosis 8 (LCA8). Identifiers: Orphanet 65, MedGen C3151202, MONDO:0013453, OMIM 613835.
Retinitis pigmentosa 12 (RP12). Also called: RP WITH OR WITHOUT PRESERVED PARAARTERIOLE RETINAL PIGMENT EPITHELIUM; RETINITIS PIGMENTOSA WITH OR WITHOUT PARAARTERIOLAR PRESERVATION OF RETINAL PIGMENT EPITHELIUM; RP WITH OR WITHOUT PPRPE. Identifiers: Orphanet 791, MedGen C1838647, MONDO:0010818, OMIM 600105.
CRB1-related disorder. Also called: CRB1-related disorders; CRB1-related condition.

Allele frequency attached by ClinVar (database versions not stated): TOPMed 0.00001.
gnomAD v4.1: 10 of 1,614,024 alleles (0.00062%); highest among the groups gnomAD compares: Non-Finnish European, 0.00085%; no homozygotes.

Submissions (4):

Women's Health and Genetics/Laboratory Corporation of America, LabCorp
Classification: Uncertain significance. Last evaluated: 2025-07-25. Review status: criteria provided, single submitter. Criteria: LabCorp Variant Classification Summary - May 2015. Collection method: clinical testing. Allele origin: germline.
Comment: Variant summary: CRB1 c.2570T>G (p.Leu857Arg) results in a non-conservative amino acid change located in the laminin G domain (IPR001791) of the encoded protein sequence. Algorithms developed to predict the effect of missense changes on protein structure and function all suggest that this variant is likely to be disruptive. The variant was absent in 251128 control chromosomes. The available data on variant occurrences in the general population are insufficient to allow any conclusion about variant significance. c.2570T>G has been observed in individual(s) affected with Retinal Dystrophy and related conditions (Zampaglione_2022, internal_testing). These data do not allow any conclusion about variant significance. To our knowledge, no experimental evidence demonstrating an impact on protein function has been reported. The following publication have been ascertained in the context of this evaluation (PMID: 34906470). ClinVar contains an entry for this variant (Variation ID: 836977). Based on the evidence outlined above, the variant was classified as uncertain significance.

Labcorp Genetics (formerly Invitae), Labcorp
Classification: Pathogenic for Leber congenital amaurosis 8; Retinitis pigmentosa 12. Last evaluated: 2025-04-21. Review status: criteria provided, single submitter. Criteria: Invitae Variant Classification Sherloc (09022015). Collection method: clinical testing. Allele origin: germline.
Comment: This sequence change replaces leucine, which is neutral and non-polar, with arginine, which is basic and polar, at codon 857 of the CRB1 protein (p.Leu857Arg). This variant is not present in population databases (gnomAD no frequency). This missense change has been observed in individual(s) with clinical features of CRB1-related conditions (PMID: 34906470; internal data). In at least one individual the data is consistent with being in trans (on the opposite chromosome) from a pathogenic variant. ClinVar contains an entry for this variant (Variation ID: 836977). Invitae Evidence Modeling of protein sequence and biophysical properties (such as structural, functional, and spatial information, amino acid conservation, physicochemical variation, residue mobility, and thermodynamic stability) indicates that this missense variant is expected to disrupt CRB1 protein function with a positive predictive value of 95%. For these reasons, this variant has been classified as Pathogenic.

3billion
Classification: Uncertain significance for CRB1-related disorder. Last evaluated: 2024-12-06. Review status: criteria provided, single submitter. Criteria: ACMG Guidelines, 2015. Collection method: clinical testing. Allele origin: germline. Affected: yes.
Comment: The variant is observed at an extremely low frequency in the gnomAD v4.1.0 dataset (total allele frequency: <0.001%). Predicted Consequence/Location: Missense variant In silico tool predictions suggest damaging effect of the variant on gene or gene product [REVEL: 0.75 (>=0.6, sensitivity 0.68 and specificity 0.92); 3Cnet: 0.95 (>=0.6, sensitivity 0.72 and precision 0.9)]. The same nucleotide change resulting in the same amino acid change has been previously reported to be associated with CRB1-related disorder (ClinVar ID: VCV000836977). However, the evidence of pathogenicity is insufficient at this time. Therefore, this variant is classified as VUS according to the recommendation of ACMG/AMP guideline.

Ocular Genomics Institute, Massachusetts Eye and Ear
Classification: Uncertain significance for Retinitis pigmentosa 12. Last evaluated: 2021-04-08. Review status: criteria provided, single submitter. Criteria: ACMG Guidelines, 2015. Collection method: research. Allele origin: germline. Affected: yes.
Comment: Through a review of available evidence we were able to apply the following criteria: PM2. Based on this evidence we have classified this variant as Variant of Uncertain Significance.

Literature cited by the submitters: PubMed 34906470 (cited by Women's Health and Genetics/Laboratory Corporation of America, LabCorp and Labcorp Genetics (formerly Invitae), Labcorp).